The following is an entry in ClinVar:

ClinVar aggregate classification (germline): Uncertain significance. Review status: criteria provided, multiple submitters, no conflicts (2 of 4 stars). 2 submissions from 2 submitters: Uncertain significance (2). Last evaluated 2025-08-03.

gnomAD v4.1: 4 of 1,614,168 alleles (0.00025%); highest among the groups gnomAD compares: South Asian, 0.0033%; no homozygotes.

Submissions (2):

Labcorp Genetics (formerly Invitae), Labcorp
Classification: Uncertain significance. Last evaluated: 2025-08-03. Review status: criteria provided, single submitter. Criteria: Invitae Variant Classification Sherloc (09022015). Collection method: clinical testing. Allele origin: germline.
Comment: This sequence change replaces methionine, which is neutral and non-polar, with leucine, which is neutral and non-polar, at codon 229 of the SNRNP200 protein (p.Met229Leu). This variant is not present in population databases (gnomAD no frequency). This variant has not been reported in the literature in individuals affected with SNRNP200-related conditions. Invitae Evidence Modeling of protein sequence and biophysical properties (such as structural, functional, and spatial information, amino acid conservation, physicochemical variation, residue mobility, and thermodynamic stability) indicates that this missense variant is not expected to disrupt SNRNP200 protein function with a negative predictive value of 95%. In summary, the available evidence is currently insufficient to determine the role of this variant in disease. Therefore, it has been classified as a Variant of Uncertain Significance.

Blueprint Genetics
Classification: Uncertain significance. Last evaluated: 2023-07-21. Review status: criteria provided, single submitter. Criteria: ACMG Guidelines, 2015. Collection method: clinical testing. Allele origin: germline.

NM_014014.5(SNRNP200):c.685A>C (p.Met229Leu)

Gene: SNRNP200 (small nuclear ribonucleoprotein U5 subunit 200; minus strand). Cytogenetic location: 2q11.2.
Variant type: single nucleotide variant.
Coding change: c.685A>C on transcript NM_014014.5 (MANE Select); coding-DNA position 685, A replaced by C.
Protein change: p.Met229Leu; replaces methionine 229 with leucine.
Molecular consequence: missense variant.
Genome position (GRCh38, 1-based): chr2:96,299,373, T>G on the plus strand (A>C on the coding strand, the complement: SNRNP200 is on the minus strand). VCF-style: chr2-96299373-T-G. GRCh37 (hg19) VCF-style: chr2-96965111-T-G.
Other names: short protein forms M229L.
Identifiers: ClinVar variation 4696019 (VCV004696019.2).